The following is an entry in ClinVar:

ClinVar aggregate classification (germline): Conflicting classifications of pathogenicity. Review status: criteria provided, conflicting classifications (1 of 4 stars). 2 submissions from 2 submitters: Uncertain significance (1); Likely benign (1). Last evaluated 2023-07-17.

Allele frequency attached by ClinVar (database versions not stated): 1000 Genomes Project 30x 0.00016; gnomAD 0.00001; gnomAD exomes 0.00001; TOPMed 0.00001; ExAC 0.00008; 1000 Genomes Project 0.00020.
gnomAD v4.1: 20 of 1,613,316 alleles (0.0012%); highest among the groups gnomAD compares: South Asian, 0.0088%; 1 homozygote.

Submissions (2):

Labcorp Genetics (formerly Invitae), Labcorp
Classification: Uncertain significance. Last evaluated: 2023-07-17. Review status: criteria provided, single submitter. Criteria: Invitae Variant Classification Sherloc (09022015). Collection method: clinical testing. Allele origin: germline.
Comment: ClinVar contains an entry for this variant (Variation ID: 2066770). This variant has not been reported in the literature in individuals affected with CLCN6-related conditions. This variant is present in population databases (rs568416833, gnomAD 0.03%). This sequence change replaces alanine, which is neutral and non-polar, with threonine, which is neutral and polar, at codon 695 of the CLCN6 protein (p.Ala695Thr). Algorithms developed to predict the effect of missense changes on protein structure and function output the following: SIFT: "Not Available"; PolyPhen-2: "Benign"; Align-GVGD: "Not Available". The threonine amino acid residue is found in multiple mammalian species, which suggests that this missense change does not adversely affect protein function. In summary, the available evidence is currently insufficient to determine the role of this variant in disease. Therefore, it has been classified as a Variant of Uncertain Significance.

Ambry Genetics
Classification: Likely benign. Last evaluated: 2023-07-12. Review status: criteria provided, single submitter. Criteria: Ambry Variant Classification Scheme 2023. Collection method: clinical testing. Allele origin: germline.

NM_001286.5(CLCN6):c.2083G>A (p.Ala695Thr)

Gene: CLCN6 (Cl-/H+ antiporter 6; plus strand). Cytogenetic location: 1p36.22.
Variant type: single nucleotide variant.
Coding change: c.2083G>A on transcript NM_001286.5 (MANE Select); coding-DNA position 2083, G replaced by A.
Protein change: p.Ala695Thr; replaces alanine 695 with threonine.
Molecular consequence: missense variant. On other transcripts: non-coding transcript variant (1).
Genome position (GRCh38, 1-based): chr1:11,837,101, G>A. VCF-style: chr1-11837101-G-A. GRCh37 (hg19) VCF-style: chr1-11897158-G-A.
Other names: c.2083G>A (NM_001286.2); c.2017G>A, p.Ala673Thr (NM_001256959.2); short protein forms A695T, A673T.
Identifiers: ClinVar variation 2066770 (VCV002066770.6), dbSNP rs568416833, ClinGen allele CA596711.
Genomic context (GRCh38, chr1:11,837,101, plus strand): 5'-AGCCAGTCCATGAAGTCCTACCCATCCAGCGAGCTACGGAACATGTGTGATGAGCACATC[G>A]CCTCTGAGGAGCCAGCCGAGAAGGAGGACCTCCTGCAGCAGATGCTGGAAAGGAGGTGAG-3'
Protein context (NP_001277.2, residues 685-705): ELRNMCDEHI[Ala695Thr]SEEPAEKEDL